The following is an entry in ClinVar:

NM_001164508.2(NEB):c.16713C>T (p.Tyr5571=)

Gene: NEB (nebulin; minus strand). Cytogenetic location: 2q23.3.
Variant type: single nucleotide variant.
Coding change: c.16713C>T on transcript NM_001164508.2 (MANE Select); coding-DNA position 16713, C replaced by T.
Protein change: p.Tyr5571=; no amino-acid change (tyrosine 5571 retained).
Molecular consequence: synonymous variant.
Genome position (GRCh38, 1-based): chr2:151,576,346, G>A on the plus strand (C>T on the coding strand, the complement: NEB is on the minus strand). VCF-style: chr2-151576346-G-A. GRCh37 (hg19) VCF-style: chr2-152432860-G-A.
Other names: c.16713C>T, p.Tyr5571= (NM_001164507.2, NM_001271208.2); c.11610C>T, p.Tyr3870= (NM_004543.5).
Identifiers: ClinVar variation 978491 (VCV000978491.13), dbSNP rs202142644, ClinGen allele CA1908394.
Genomic context (GRCh38, chr2:151,576,346, plus strand): 5'-CACTTCAGGAGACCCTTGGGGCATCCAGCCAATGCCACGCAACCACTCCAAGTCAGCCTT[G>A]TAGAGGGCCTGAAAAAGAAAACACAGGTAGAAGCAGGGTTTGTGTTTTGTTGTGTATGTG-3'
Protein context (NP_001157980.2, residues 5561-5581): KAYDLQSDAL[Tyr5571=]KADLEWLRGI

ClinVar aggregate classification (germline): Likely benign. Review status: criteria provided, multiple submitters, no conflicts (2 of 4 stars). 2 submissions from 2 submitters: Likely benign (2). Last evaluated 2026-04-01.

Conditions:
Nemaline myopathy 2 (NEM2). Also called: Nemaline myopathy 2, autosomal recessive. Identifiers: MedGen C1850569, MONDO:0009725, OMIM 256030.

Allele frequency attached by ClinVar (database versions not stated): gnomAD exomes 0.00002 and 0.00006; ExAC 0.00003; TOPMed 0.00007; gnomAD 0.00013; 1000 Genomes Project 0.00020; 1000 Genomes Project 30x 0.00031.
gnomAD v4.1: 42 of 1,591,790 alleles (0.0026%); highest among the groups gnomAD compares: Admixed American, 0.061%; no homozygotes.

Submissions (2):

CeGaT Center for Human Genetics Tuebingen
Classification: Likely benign. Last evaluated: 2026-04-01. Review status: criteria provided, single submitter. Criteria: CeGaT Center For Human Genetics Tuebingen Variant Classification Criteria Version 2. Collection method: clinical testing. Allele origin: germline. Affected: yes. Observed: 1 variant allele.
Comment: NEB: BP4, BP7

Labcorp Genetics (formerly Invitae), Labcorp
Classification: Likely benign for Nemaline myopathy 2. Last evaluated: 2026-01-11. Review status: criteria provided, single submitter. Criteria: Invitae Variant Classification Sherloc (09022015). Collection method: clinical testing. Allele origin: germline.